The following is an entry in ClinVar:

NM_001099289.3(SH3RF3):c.1907G>A (p.Arg636His)

Genes: RANBP2 (RAN binding protein 2; plus strand), SH3RF3 (SH3 domain containing ring finger 3; plus strand). Cytogenetic location: 2q13.
Variant type: single nucleotide variant.
Coding change: c.1907G>A on transcript NM_001099289.3 (MANE Select); coding-DNA position 1907, G replaced by A.
Protein change: p.Arg636His; replaces arginine 636 with histidine.
Molecular consequence: missense variant.
Genome position (GRCh38, 1-based): chr2:109,449,248, G>A. VCF-style: chr2-109449248-G-A. GRCh37 (hg19) VCF-style: chr2-110065704-G-A.
Other names: short protein forms R636H.
Identifiers: ClinVar variation 3318139 (VCV003318139.1).
Genomic context (GRCh38, chr2:109,449,248, plus strand): 5'-AGGCTCAGGACCGGCCAACTGCCACCGTGTCACCCCTGCGCACCCAGAACTCTCCATCCC[G>A]CCTGCCTGCCACCAGCCTCAGGCCCCACTCGGTGGTGTCCCCGCAGCACAGCCACCAGCC-3'
Protein context (NP_001092759.1, residues 626-646): SPLRTQNSPS[Arg636His]LPATSLRPHS

ClinVar aggregate classification (germline): Uncertain significance (1 of 4 stars; one submission).

gnomAD v4.1: 12 of 1,612,216 alleles (0.00074%); highest among the groups gnomAD compares: Admixed American, 0.005%; no homozygotes.

Submission:

Ambry Genetics
Classification: Uncertain significance. Last evaluated: 2024-03-25. Review status: criteria provided, single submitter. Criteria: Ambry Variant Classification Scheme 2023. Collection method: clinical testing. Allele origin: germline.
Comment: The c.1907G>A (p.R636H) alteration is located in exon (coding exon ) of the SH3RF3 gene. This alteration results from a G to A substitution at nucleotide position 1907, causing the arginine (R) at amino acid position 636 to be replaced by a histidine (H). Based on insufficient or conflicting evidence, the clinical significance of this alteration remains unclear.